The following is an entry in ClinVar:

ClinVar aggregate classification (germline): Uncertain significance (1 of 4 stars; one submission).

gnomAD v4.1: 3 of 1,614,080 alleles (0.00019%); highest among the groups gnomAD compares: Admixed American, 0.0017%; no homozygotes.

Submission:

Labcorp Genetics (formerly Invitae), Labcorp
Classification: Uncertain significance. Last evaluated: 2024-10-31. Review status: criteria provided, single submitter. Criteria: Invitae Variant Classification Sherloc (09022015). Collection method: clinical testing. Allele origin: germline.
Comment: This sequence change replaces lysine, which is basic and polar, with arginine, which is basic and polar, at codon 332 of the TRAP1 protein (p.Lys332Arg). This variant is present in population databases (no rsID available, gnomAD 0.003%). This variant has not been reported in the literature in individuals affected with TRAP1-related conditions. Invitae Evidence Modeling of protein sequence and biophysical properties (such as structural, functional, and spatial information, amino acid conservation, physicochemical variation, residue mobility, and thermodynamic stability) indicates that this missense variant is not expected to disrupt TRAP1 protein function with a negative predictive value of 80%. In summary, the available evidence is currently insufficient to determine the role of this variant in disease. Therefore, it has been classified as a Variant of Uncertain Significance.

NM_016292.3(TRAP1):c.995A>G (p.Lys332Arg)

Gene: TRAP1 (TNF receptor associated protein 1; minus strand). Cytogenetic location: 16p13.3.
Variant type: single nucleotide variant.
Coding change: c.995A>G on transcript NM_016292.3 (MANE Select); coding-DNA position 995, A replaced by G.
Protein change: p.Lys332Arg; replaces lysine 332 with arginine.
Molecular consequence: missense variant.
Genome position (GRCh38, 1-based): chr16:3,674,388, T>C on the plus strand (A>G on the coding strand, the complement: TRAP1 is on the minus strand). VCF-style: chr16-3674388-T-C. GRCh37 (hg19) VCF-style: chr16-3724389-T-C.
Other names: c.836A>G, p.Lys279Arg (NM_001272049.2); short protein forms K279R, K332R.
Identifiers: ClinVar variation 3688771 (VCV003688771.2).